The following is an entry in ClinVar:

NM_000179.3(MSH6):c.627+3G>C

Gene: MSH6 (mutS homolog 6; plus strand). Cytogenetic location: 2p16.3.
Variant type: single nucleotide variant.
Coding change: c.627+3G>C on transcript NM_000179.3 (MANE Select); 3 bases into the intron after coding-DNA position 627, G replaced by C.
Molecular consequence: intron variant.
Genome position (GRCh38, 1-based): chr2:47,796,066, G>C. VCF-style: chr2-47796066-G-C. GRCh37 (hg19) VCF-style: chr2-48023205-G-C.
Other names: c.-279-2545G>C (NM_001281493.2); c.238-2545G>C (NM_001281492.2); c.-276+3G>C (NM_001281494.2).
Identifiers: ClinVar variation 421306 (VCV000421306.3), dbSNP rs876659495, ClinGen allele CA16617632.

ClinVar aggregate classification (germline): Uncertain significance. Review status: criteria provided, multiple submitters, no conflicts (2 of 4 stars). 2 submissions from 2 submitters: Uncertain significance (2). Last evaluated 2023-10-13.

Conditions:
Hereditary nonpolyposis colorectal neoplasms. Identifiers: MedGen C0009405, MeSH D003123.

Submissions (2):

Labcorp Genetics (formerly Invitae), Labcorp
Classification: Uncertain significance for Hereditary nonpolyposis colorectal neoplasms. Last evaluated: 2023-10-13. Review status: criteria provided, single submitter. Criteria: Invitae Variant Classification Sherloc (09022015). Collection method: clinical testing. Allele origin: germline.
Comment: This sequence change falls in intron 3 of the MSH6 gene. It does not directly change the encoded amino acid sequence of the MSH6 protein. It affects a nucleotide within the consensus splice site. This variant is not present in population databases (gnomAD no frequency). This variant has not been reported in the literature in individuals affected with MSH6-related conditions. ClinVar contains an entry for this variant (Variation ID: 421306). Variants that disrupt the consensus splice site are a relatively common cause of aberrant splicing (PMID: 17576681, 9536098). Algorithms developed to predict the effect of sequence changes on RNA splicing suggest that this variant may create or strengthen a splice site. In summary, the available evidence is currently insufficient to determine the role of this variant in disease. Therefore, it has been classified as a Variant of Uncertain Significance.

GeneDx
Classification: Uncertain significance. Last evaluated: 2016-05-23. Review status: criteria provided, single submitter. Criteria: GeneDx Variant Classification (06012015). Collection method: clinical testing. Allele origin: germline. Affected: yes.
Comment: This variant is denoted MSH6 c.627+3G>C or IVS3+3G>C and consists of a G>C nucleotide substitution at the +3 position of intron 3 of the MSH6 gene. Two in silico models predict this variant to destroy the nearby natural donor site and to possibly cause abnormal gene splicing. However, in the absence of RNA or functional studies, the actual effect of this variant is unknown. This variant has not, to our knowledge, been published in the literature as pathogenic or benign. MSH6 c.627+3G>C was not observed in approximately 6,500 individuals of European and African American ancestry in the NHLBI Exome Sequencing Project, suggesting it is not a common benign variant in these populations. The guanine (G) nucleotide that is altered is not conserved across species. Based on currently available information, it is unclear whether MSH6 c.627+3G>C is pathogenic or benign. We consider it to be a variant of uncertain significance.

Literature cited by the submitters: PubMed 17576681 (cited by Labcorp Genetics (formerly Invitae), Labcorp); PubMed 9536098 (cited by Labcorp Genetics (formerly Invitae), Labcorp).